The following is an entry in ClinVar:

NM_006017.3(PROM1):c.303+1G>A

Gene: PROM1 (prominin 1; minus strand). Cytogenetic location: 4p15.32.
Variant type: single nucleotide variant.
Coding change: c.303+1G>A on transcript NM_006017.3 (MANE Select); the canonical splice donor site of the intron after coding-DNA position 303, G replaced by A.
Molecular consequence: splice donor variant. On other transcripts: intron variant (7).
Genome position (GRCh38, 1-based): chr4:16,035,734, C>T on the plus strand (G>A on the coding strand, the complement: PROM1 is on the minus strand). VCF-style: chr4-16035734-C-T. GRCh37 (hg19) VCF-style: chr4-16037357-C-T.
Other names: c.277-2225G>A (NM_001145848.2, NM_001145852.2, NM_001145847.2 and 4 more transcripts); c.303+1G>A (NM_001145850.2, NM_001145849.2).
Identifiers: ClinVar variation 860340 (VCV000860340.11), dbSNP rs777673930, ClinGen allele CA2867119.

ClinVar aggregate classification (germline): Pathogenic/Likely pathogenic. Review status: criteria provided, multiple submitters, no conflicts (2 of 4 stars). 3 submissions from 3 submitters: Pathogenic (2); Likely pathogenic (1). Last evaluated 2025-12-31.

Conditions:
PROM1-related disorder. Also called: PROM1-related condition; PROM1-related disorders.

Allele frequency attached by ClinVar (database versions not stated): ExAC 0.00002; gnomAD exomes 0.00002.
gnomAD v4.1: 4 of 1,613,074 alleles (0.00025%); highest among the groups gnomAD compares: Admixed American, 0.005%; no homozygotes.

Submissions (3):

PreventionGenetics, part of Exact Sciences
Classification: Likely pathogenic for PROM1-related condition. Last evaluated: 2025-12-31. Review status: criteria provided, single submitter. Criteria: ACMG Guidelines, 2015. Collection method: clinical testing. Allele origin: germline.
Comment: The PROM1 c.303+1G>A variant is predicted to disrupt the GT donor site and interfere with normal splicing. This variant has been reported to segregate with late-onset autosomal dominant macular dystrophy in 5 patients from three families (Del Pozo-Valero et al. 2019. PubMed ID: 31129250). Further haplotype analysis and imaging studies were performed for additional family members in two of the families, which revealed that this variant segregated with disease (Supplemental Figure 2, Del Pozo-Valero et al. 2019. PubMed ID: 31129250). This variant was also described in an individual with suspected Stargardt disease (Wolock et al. 2019. PubMed ID: 30926958). In vitro analysis indicated that the c.303+1G>A variant resulted in skipping of an in-frame exon (Figure S4, Del Pozo-Valero et al. 2019. PubMed ID: 31129250). A different nucleotide change at this splicing boundary (c.303+2T>C) has been reported in association with autosomal recessive retinitis pigmentosa (Del Pozo-Valero et al. 2019. PubMed ID: 31129250). This variant is present in 0.0087% of alleles in individuals of Latino descent in gnomAD. This variant is interpreted as likely pathogenic.

Labcorp Genetics (formerly Invitae), Labcorp
Classification: Pathogenic. Last evaluated: 2025-04-18. Review status: criteria provided, single submitter. Criteria: Invitae Variant Classification Sherloc (09022015). Collection method: clinical testing. Allele origin: germline.
Comment: This sequence change affects a donor splice site in intron 3 of the PROM1 gene. It is expected to disrupt RNA splicing. Variants that disrupt the donor or acceptor splice site typically lead to a loss of protein function (PMID: 16199547), and loss-of-function variants in PROM1 are known to be pathogenic (PMID: 17605048, 19718270, 24154662, 25474345). This variant is present in population databases (rs777673930, gnomAD 0.009%). Disruption of this splice site has been observed in individuals with autosomal recessive retinitis pigmentosa and/or clinical features of autosomal dominant macular dystrophy (PMID: 31129250; internal data). It has also been observed to segregate with disease in related individuals. ClinVar contains an entry for this variant (Variation ID: 860340). Algorithms developed to predict the effect of sequence changes on RNA splicing suggest that this variant may disrupt the consensus splice site. For these reasons, this variant has been classified as Pathogenic.

Blueprint Genetics
Classification: Pathogenic for PROM1-related disorders. Last evaluated: 2022-06-20. Review status: criteria provided, single submitter. Criteria: ACMG Guidelines, 2015. Collection method: clinical testing. Allele origin: germline. Affected: yes. Observed: 5 variant alleles.

Literature cited by the submitters: PubMed 16199547 (cited by Labcorp Genetics (formerly Invitae), Labcorp); PubMed 17605048 (cited by Labcorp Genetics (formerly Invitae), Labcorp); PubMed 19718270 (cited by Labcorp Genetics (formerly Invitae), Labcorp); PubMed 24154662 (cited by Labcorp Genetics (formerly Invitae), Labcorp); PubMed 25474345 (cited by Labcorp Genetics (formerly Invitae), Labcorp); PubMed 31129250 (cited by Labcorp Genetics (formerly Invitae), Labcorp).